The following is an entry in ClinVar:

ClinVar aggregate classification (germline): Uncertain significance (1 of 4 stars; one submission).

Submission:

GeneDx
Classification: Uncertain significance. Last evaluated: 2024-09-24. Review status: criteria provided, single submitter. Criteria: GeneDx Variant Classification Process June 2021. Collection method: clinical testing. Allele origin: germline. Affected: yes.
Comment: Not observed at significant frequency in large population cohorts (gnomAD); Frameshift variant predicted to result in protein truncation or nonsense mediated decay in a gene or region of a gene for which loss of function is not a well-established mechanism of disease; Has not been previously published as pathogenic or benign to our knowledge

NM_001270.4(CHD1):c.4199_4203del (p.Val1400fs)

Gene: CHD1 (chromodomain helicase DNA binding protein 1; minus strand). Cytogenetic location: 5q15.
Variant type: Deletion.
Coding change: c.4199_4203del on transcript NM_001270.4 (MANE Select); coding-DNA positions 4199 to 4203, 5 bases deleted (TTCCC; older notation c.4199_4203delTTCCC).
Protein change: p.Val1400fs; shifts the reading frame from valine 1400.
Molecular consequence: frameshift variant. On other transcripts: non-coding transcript variant (2).
Genome position (GRCh38, 1-based): chr5:98,868,540-98,868,544, GGGAA deleted on the plus strand (TTCCC on the coding strand, the reverse complement: CHD1 is on the minus strand). VCF-style (leftmost placement, unchanged base first): chr5-98868539-TGGGAA-T. GRCh37 (hg19) VCF-style: chr5-98204243-TGGGAA-T.
Other names: c.4463_4467del, p.Val1488fs (NM_001364113.3); c.4199_4203del, p.Val1400fs (NM_001376194.2); short protein forms V1400fs, V1488fs.
Identifiers: ClinVar variation 1810068 (VCV001810068.2), dbSNP rs2479416118, ClinGen allele CA2580073822.